The following is an entry in ClinVar:

ClinVar aggregate classification (germline): Uncertain significance (1 of 4 stars; one submission).

Conditions:
Aortic aneurysm, familial thoracic 4 (AAT4). Also called: AORTIC ANEURYSM/AORTIC DISSECTION AND PATENT DUCTUS ARTERIOSUS. Identifiers: MedGen C1851504, MONDO:0007568, OMIM 132900.

Submission:

Labcorp Genetics (formerly Invitae), Labcorp
Classification: Uncertain significance for Aortic aneurysm, familial thoracic 4. Last evaluated: 2023-03-07. Review status: criteria provided, single submitter. Criteria: Invitae Variant Classification Sherloc (09022015). Collection method: clinical testing. Allele origin: germline.
Comment: This sequence change replaces glycine, which is neutral and non-polar, with arginine, which is basic and polar, at codon 589 of the MYH11 protein (p.Gly589Arg). Information on the frequency of this variant in the gnomAD database is not available, as this variant may be reported differently in the database. This variant has not been reported in the literature in individuals affected with MYH11-related conditions. Experimental studies and prediction algorithms are not available or were not evaluated, and the functional significance of this variant is currently unknown. In summary, the available evidence is currently insufficient to determine the role of this variant in disease. Therefore, it has been classified as a Variant of Uncertain Significance.

NM_002474.3(MYH11):c.1743_1744inv (p.Gly582Arg)

Gene: MYH11 (myosin heavy chain 11; minus strand). Cytogenetic location: 16p13.11.
Variant type: Inversion.
Coding change: c.1743_1744inv on transcript NM_002474.3 (MANE Select).
Protein change: p.Gly582Arg; replaces glycine 582 with arginine.
Molecular consequence: missense variant.
Genome position: GRCh38 VCF-style: chr16-15756346-CA-TG. GRCh37 (hg19) VCF-style: chr16-15850203-CA-TG.
Other names: c.1764_1765inv, p.Gly589Arg (NM_001040113.2, NM_001040114.2); c.1743_1744inv, p.Gly582Arg (NM_022844.3); short protein forms G582R, G589R.
Identifiers: ClinVar variation 3023566 (VCV003023566.3), ClinGen allele CA2740093267.